The following is an entry in ClinVar:

NM_001009944.3(PKD1):c.12445-22T>A

Genes: MIR1225 (microRNA 1225; minus strand), PKD1 (polycystin 1, transient receptor potential channel interacting; minus strand). Cytogenetic location: 16p13.3.
Variant type: single nucleotide variant.
Coding change: c.12445-22T>A on transcript NM_001009944.3 (MANE Select); 22 bases into the intron before coding-DNA position 12445, T replaced by A.
Molecular consequence: intron variant. On other transcripts: non-coding transcript variant (1).
Genome position (GRCh38, 1-based): chr16:2,090,216, A>T on the plus strand (T>A on the coding strand, the complement: PKD1 is on the minus strand). VCF-style: chr16-2090216-A-T. GRCh37 (hg19) VCF-style: chr16-2140217-A-T.
Other names: c.12442-22T>A (NM_000296.4).
Identifiers: ClinVar variation 3355578 (VCV003355578.1).

ClinVar aggregate classification (germline): Likely benign (0 of 4 stars; one submission).

Conditions:
PKD1-related disorder. Also called: PKD1-related condition.

gnomAD v4.1: 6 of 1,608,458 alleles (0.00037%); highest among the groups gnomAD compares: Admixed American, 0.0084%; no homozygotes.

Submission:

PreventionGenetics, part of Exact Sciences
Classification: Likely benign for PKD1-related condition. Last evaluated: 2024-07-15. Review status: no assertion criteria provided. Collection method: clinical testing. Allele origin: germline.
Comment: This variant is classified as likely benign based on ACMG/AMP sequence variant interpretation guidelines (Richards et al. 2015 PMID: 25741868, with internal and published modifications).